The following is an entry in ClinVar:

NM_000038.6(APC):c.5591C>T (p.Ser1864Phe)

Gene: APC (APC regulator of Wnt signaling pathway; plus strand). Cytogenetic location: 5q22.2.
Variant type: single nucleotide variant.
Coding change: c.5591C>T on transcript NM_000038.6 (MANE Select); coding-DNA position 5591, C replaced by T.
Protein change: p.Ser1864Phe; replaces serine 1864 with phenylalanine.
Molecular consequence: missense variant.
Genome position (GRCh38, 1-based): chr5:112,841,185, C>T. VCF-style: chr5-112841185-C-T. GRCh37 (hg19) VCF-style: chr5-112176882-C-T.
Other names: c.5591C>T, p.Ser1864Phe (NM_001127510.3, NM_001354895.2); c.5537C>T, p.Ser1846Phe (NM_001127511.3); c.5645C>T, p.Ser1882Phe (NM_001354896.2); c.5621C>T, p.Ser1874Phe (NM_001354897.2); c.5516C>T, p.Ser1839Phe (NM_001354898.2); c.5507C>T, p.Ser1836Phe (NM_001354899.2); c.5468C>T, p.Ser1823Phe (NM_001354900.2); c.5414C>T, p.Ser1805Phe (NM_001354901.2); and 5 more; short protein forms S1704F, S1839F, S1763F, S1836F, S1874F, S1882F, S1773F, S1823F.
Identifiers: ClinVar variation 656009 (VCV000656009.11), dbSNP rs1359257049, ClinGen allele CA16033569.

ClinVar aggregate classification (germline): Uncertain significance. Review status: criteria provided, multiple submitters, no conflicts (2 of 4 stars). 2 submissions from 2 submitters: Uncertain significance (2). Last evaluated 2023-06-08.

Conditions:
Classic or attenuated familial adenomatous polyposis. Identifiers: MedGen CN372698, MONDO:0021057.
Familial adenomatous polyposis 1 (FAP1). Also called: FAMILIAL ADENOMATOUS POLYPOSIS 1, ATTENUATED; POLYPOSIS, ADENOMATOUS INTESTINAL. Identifiers: MedGen C2713442, MONDO:0021056, OMIM 175100. Disease mechanism: loss of function.

Allele frequency attached by ClinVar (database versions not stated): gnomAD 0.00001; TOPMed 0.00001.
gnomAD v4.1: 1 of 1,613,720 alleles (0.000062%); highest among the groups gnomAD compares: Non-Finnish European, 0.000085%; no homozygotes.

Submissions (2):

All of Us Research Program, National Institutes of Health
Classification: Uncertain significance for Classic or attenuated familial adenomatous polyposis. Last evaluated: 2023-06-08. Review status: criteria provided, single submitter. Criteria: ACMG Guidelines, 2015. Collection method: clinical testing. Allele origin: germline. Inheritance: Autosomal dominant inheritance. Observed: 1 variant allele, 1 heterozygote.
Comment: This missense variant replaces serine with phenylalanine at codon 1864 of the APC protein. Computational prediction is inconclusive regarding the impact of this variant on protein structure and function (internally defined REVEL score threshold 0.5 < inconclusive < 0.7, PMID: 27666373). To our knowledge, functional studies have not been reported for this variant. This variant has not been reported in individuals affected with APC-related disorders in the literature. This variant has been identified in 1/31384 chromosomes in the general population by the Genome Aggregation Database (gnomAD). The available evidence is insufficient to determine the role of this variant in disease conclusively. Therefore, this variant is classified as a Variant of Uncertain Significance.

This study involves interpretation of variants in research participants for the purpose of population health screening. Participant phenotype was not available at the time of variant classification. Additional details can be found in publication PMID: 35346344, PMCID: PMC8962531

Labcorp Genetics (formerly Invitae), Labcorp
Classification: Uncertain significance for Familial adenomatous polyposis 1. Last evaluated: 2018-12-14. Review status: criteria provided, single submitter. Criteria: Invitae Variant Classification Sherloc (09022015). Collection method: clinical testing. Allele origin: germline.
Comment: In summary, the available evidence is currently insufficient to determine the role of this variant in disease. Therefore, it has been classified as a Variant of Uncertain Significance. Algorithms developed to predict the effect of missense changes on protein structure and function are either unavailable or do not agree on the potential impact of this missense change (SIFT: "Deleterious"; PolyPhen-2: "Probably Damaging"; Align-GVGD: "Class C15"). This variant has not been reported in the literature in individuals with APC-related conditions. This variant is not present in population databases (ExAC no frequency). This sequence change replaces serine with phenylalanine at codon 1864 of the APC protein (p.Ser1864Phe). The serine residue is highly conserved and there is a large physicochemical difference between serine and phenylalanine.